The following is an entry in ClinVar:

ClinVar aggregate classification (germline): Uncertain significance (1 of 4 stars; one submission).

Conditions:
Glycogen storage disease type III (GSD3). Also called: Cori disease; FORBES DISEASE. Identifiers: Orphanet 366, MedGen C0017922, MONDO:0009291, OMIM 232400.

Submission:

Labcorp Genetics (formerly Invitae), Labcorp
Classification: Uncertain significance for Glycogen storage disease type III. Last evaluated: 2022-04-28. Review status: criteria provided, single submitter. Criteria: Invitae Variant Classification Sherloc (09022015). Collection method: clinical testing. Allele origin: germline.
Comment: In summary, the available evidence is currently insufficient to determine the role of this variant in disease. Therefore, it has been classified as a Variant of Uncertain Significance. Algorithms developed to predict the effect of missense changes on protein structure and function are either unavailable or do not agree on the potential impact of this missense change (SIFT: "Tolerated"; PolyPhen-2: "Probably Damaging"; Align-GVGD: "Class C0"). This variant has not been reported in the literature in individuals affected with AGL-related conditions. This variant is not present in population databases (gnomAD no frequency). This sequence change replaces serine, which is neutral and polar, with glycine, which is neutral and non-polar, at codon 1365 of the AGL protein (p.Ser1365Gly).

NM_000642.3(AGL):c.4093A>G (p.Ser1365Gly)

Gene: AGL (amylo-alpha-1,6-glucosidase and 4-alpha-glucanotransferase; plus strand). Cytogenetic location: 1p21.2.
Variant type: single nucleotide variant.
Coding change: c.4093A>G on transcript NM_000642.3 (MANE Select); coding-DNA position 4093, A replaced by G.
Protein change: p.Ser1365Gly; replaces serine 1365 with glycine.
Molecular consequence: missense variant.
Genome position (GRCh38, 1-based): chr1:99,913,670, A>G. VCF-style: chr1-99913670-A-G. GRCh37 (hg19) VCF-style: chr1-100379226-A-G.
Other names: c.4093A>G, p.Ser1365Gly (NM_000028.3, NM_000643.3, NM_000644.3 and 1 more transcripts); c.4045A>G, p.Ser1349Gly (NM_000646.3); c.4072A>G, p.Ser1358Gly (NM_001425326.1); c.3892A>G, p.Ser1298Gly (NM_001425327.1); c.3889A>G, p.Ser1297Gly (NM_001425328.1); c.3754A>G, p.Ser1252Gly (NM_001425329.1); c.3715A>G, p.Ser1239Gly (NM_001425332.1); short protein forms S1349G, S1365G, S1239G, S1252G, S1297G, S1298G, S1358G.
Identifiers: ClinVar variation 2124941 (VCV002124941.4), dbSNP rs1245818687, ClinGen allele CA341340063.